The following is an entry in ClinVar:

ClinVar aggregate classification (germline): Uncertain significance (1 of 4 stars; one submission).

Submission:

Labcorp Genetics (formerly Invitae), Labcorp
Classification: Uncertain significance. Last evaluated: 2025-02-01. Review status: criteria provided, single submitter. Criteria: Invitae Variant Classification Sherloc (09022015). Collection method: clinical testing. Allele origin: germline.
Comment: This sequence change replaces alanine, which is neutral and non-polar, with threonine, which is neutral and polar, at codon 8 of the CFP protein (p.Ala8Thr). This variant is not present in population databases (gnomAD no frequency). This variant has not been reported in the literature in individuals affected with CFP-related conditions. An algorithm developed to predict the effect of missense changes on protein structure and function outputs the following: PolyPhen-2: "Benign". The threonine amino acid residue is found in multiple mammalian species, which suggests that this missense change does not adversely affect protein function. In summary, the available evidence is currently insufficient to determine the role of this variant in disease. Therefore, it has been classified as a Variant of Uncertain Significance.

NM_001145252.3(CFP):c.22G>A (p.Ala8Thr)

Gene: CFP (complement factor properdin; minus strand). Cytogenetic location: Xp11.23.
Variant type: single nucleotide variant.
Coding change: c.22G>A on transcript NM_001145252.3 (MANE Select); coding-DNA position 22, G replaced by A.
Protein change: p.Ala8Thr; replaces alanine 8 with threonine.
Molecular consequence: missense variant.
Genome position (GRCh38, 1-based): chrX:47,629,823, C>T on the plus strand (G>A on the coding strand, the complement: CFP is on the minus strand). VCF-style: chrX-47629823-C-T. GRCh37 (hg19) VCF-style: chrX-47489222-C-T.
Other names: c.22G>A, p.Ala8Thr (NM_002621.2); short protein forms A8T.
Identifiers: ClinVar variation 3712684 (VCV003712684.2).